The following is an entry in ClinVar:

NM_001378454.1(ALMS1):c.9767C>G (p.Ser3256Cys)

Gene: ALMS1 (ALMS1 centrosome and basal body associated protein; plus strand). Cytogenetic location: 2p13.1.
Variant type: single nucleotide variant.
Coding change: c.9767C>G on transcript NM_001378454.1 (MANE Select); coding-DNA position 9767, C replaced by G.
Protein change: p.Ser3256Cys; replaces serine 3256 with cysteine.
Molecular consequence: missense variant.
Genome position (GRCh38, 1-based): chr2:73,520,002, C>G. VCF-style: chr2-73520002-C-G. GRCh37 (hg19) VCF-style: chr2-73747129-C-G.
Other names: c.9770C>G, p.Ser3257Cys (NM_015120.4); short protein forms S3257C, S3256C.
Identifiers: ClinVar variation 512367 (VCV000512367.38), dbSNP rs200922218, ClinGen allele CA1714758.

ClinVar aggregate classification (germline): Benign/Likely benign. Review status: criteria provided, multiple submitters, no conflicts (2 of 4 stars). 5 submissions from 5 submitters: Benign (2); Likely benign (3). Last evaluated 2026-01-28.

Conditions:
Alstrom syndrome (ALMS). Identifiers: Orphanet 64, MedGen C0268425, MONDO:0008763, OMIM 203800.
Cardiovascular phenotype. Identifiers: MedGen CN230736.

Allele frequency attached by ClinVar (database versions not stated): gnomAD below 0.00001 and 0.00013; TOPMed 0.00002; gnomAD exomes 0.00028 and 0.00051; ExAC 0.00061; 1000 Genomes Project 0.00100; 1000 Genomes Project 30x 0.00109.
gnomAD v4.1: 422 of 1,614,110 alleles (0.026%); highest among the groups gnomAD compares: South Asian, 0.45%; 7 homozygotes.

Submissions (5):

Labcorp Genetics (formerly Invitae), Labcorp
Classification: Benign for Alstrom syndrome. Last evaluated: 2026-01-28. Review status: criteria provided, single submitter. Criteria: Invitae Variant Classification Sherloc (09022015). Collection method: clinical testing. Allele origin: germline.

Blueprint Genetics
Classification: Likely benign. Last evaluated: 2024-11-22. Review status: criteria provided, single submitter. Criteria: ACMG Guidelines, 2015. Collection method: clinical testing. Allele origin: germline.

CeGaT Center for Human Genetics Tuebingen
Classification: Likely benign. Last evaluated: 2024-01-01. Review status: criteria provided, single submitter. Criteria: CeGaT Center For Human Genetics Tuebingen Variant Classification Criteria Version 2. Collection method: clinical testing. Allele origin: germline. Affected: yes. Observed: 1 variant allele.
Comment: ALMS1: BP4, BS2

Ambry Genetics
Classification: Benign for Cardiovascular phenotype. Last evaluated: 2023-01-27. Review status: criteria provided, single submitter. Criteria: Ambry Variant Classification Scheme 2023. Collection method: clinical testing. Allele origin: germline.

GeneDx
Classification: Likely benign. Last evaluated: 2020-11-11. Review status: criteria provided, single submitter. Criteria: GeneDx Variant Classification Process June 2021. Collection method: clinical testing. Allele origin: germline. Affected: yes.
Comment: This variant is associated with the following publications: (PMID: 23847139)